The following is an entry in ClinVar:

NM_018036.7(ATG2B):c.4766C>A (p.Thr1589Lys)

Gene: ATG2B (autophagy related 2B; minus strand). Cytogenetic location: 14q32.2.
Variant type: single nucleotide variant.
Coding change: c.4766C>A on transcript NM_018036.7 (MANE Select); coding-DNA position 4766, C replaced by A.
Protein change: p.Thr1589Lys; replaces threonine 1589 with lysine.
Molecular consequence: missense variant.
Genome position (GRCh38, 1-based): chr14:96,304,571, G>T on the plus strand (C>A on the coding strand, the complement: ATG2B is on the minus strand). VCF-style: chr14-96304571-G-T. GRCh37 (hg19) VCF-style: chr14-96770908-G-T.
Other names: short protein forms T1589K.
Identifiers: ClinVar variation 1338200 (VCV001338200.4), dbSNP rs145906587, ClinGen allele CA7335837.

ClinVar aggregate classification (germline): Uncertain significance (1 of 4 stars; one submission).

Allele frequency attached by ClinVar (database versions not stated): 1000 Genomes Project 30x 0.00016; 1000 Genomes Project 0.00020; ESP Exome Variant Server 0.00023.
gnomAD v4.1: 37 of 1,609,166 alleles (0.0023%); highest among the groups gnomAD compares: African/African-American, 0.042%; no homozygotes.

Submission:

Genetic Services Laboratory, University of Chicago
Classification: Uncertain significance. Last evaluated: 2021-12-20. Review status: criteria provided, single submitter. Criteria: ACMG Guidelines, 2015. Collection method: clinical testing. Allele origin: germline. Affected: no.
Comment: DNA sequence analysis of the ATG2B gene demonstrated a sequence change, c.4766C>A, in exon 32 that results in an amino acid change, p.Thr1589Lys. This sequence change has been described in the gnomAD database with a frequency of 0.05% in the African/African American subpopulation (dbSNP rs145906587). The p.Thr1589Lys change affects a moderately conserved amino acid residue located in a domain of the ATG2B protein that is not known to be functional. In-silico pathogenicity prediction tools (SIFT, PolyPhen2, Align GVGD, REVEL) provide contradictory results for the p.Thr1589Lys substitution. This sequence change does not appear to have been previously described in individuals with ATG2B-related disorders. Due to insufficient evidences and the lack of functional studies, the clinical significance of the p.Thr1589Lys change remains unknown at this time.